The following is an entry in ClinVar:

NM_015909.4(NBAS):c.6978T>G (p.Asp2326Glu)

Gene: NBAS (NBAS subunit of NRZ tethering complex; minus strand). Cytogenetic location: 2p24.3.
Variant type: single nucleotide variant.
Coding change: c.6978T>G on transcript NM_015909.4 (MANE Select); coding-DNA position 6978, T replaced by G.
Protein change: p.Asp2326Glu; replaces aspartic acid 2326 with glutamic acid.
Molecular consequence: missense variant. On other transcripts: non-coding transcript variant (1).
Genome position (GRCh38, 1-based): chr2:15,167,186, A>C on the plus strand (T>G on the coding strand, the complement: NBAS is on the minus strand). VCF-style: chr2-15167186-A-C. GRCh37 (hg19) VCF-style: chr2-15307310-A-C.
Other names: short protein forms D2326E.
Identifiers: ClinVar variation 1494429 (VCV001494429.6), dbSNP rs1406359553, ClinGen allele CA345911208.

ClinVar aggregate classification (germline): Uncertain significance (1 of 4 stars; one submission).

Allele frequency attached by ClinVar (database versions not stated): gnomAD exomes below 0.00001.
gnomAD v4.1: 1 of 1,614,244 alleles (0.000062%); highest among the groups gnomAD compares: Admixed American, 0.0017%; no homozygotes.

Submission:

Labcorp Genetics (formerly Invitae), Labcorp
Classification: Uncertain significance. Last evaluated: 2025-10-20. Review status: criteria provided, single submitter. Criteria: Invitae Variant Classification Sherloc (09022015). Collection method: clinical testing. Allele origin: germline.
Comment: This sequence change replaces aspartic acid, which is acidic and polar, with glutamic acid, which is acidic and polar, at codon 2326 of the NBAS protein (p.Asp2326Glu). This variant is present in population databases (no rsID available, gnomAD 0.003%). This variant has not been reported in the literature in individuals affected with NBAS-related conditions. ClinVar contains an entry for this variant (Variation ID: 1494429). Invitae Evidence Modeling of protein sequence and biophysical properties (such as structural, functional, and spatial information, amino acid conservation, physicochemical variation, residue mobility, and thermodynamic stability) indicates that this missense variant is not expected to disrupt NBAS protein function with a negative predictive value of 95%. In summary, the available evidence is currently insufficient to determine the role of this variant in disease. Therefore, it has been classified as a Variant of Uncertain Significance.